The following is an entry in ClinVar:

ClinVar aggregate classification (germline): Uncertain significance (1 of 4 stars; one submission).

gnomAD v4.1: 1 of 1,613,360 alleles (0.000062%); highest among the groups gnomAD compares: Non-Finnish European, 0.000085%; no homozygotes.

Submission:

GeneDx
Classification: Uncertain significance. Last evaluated: 2019-12-18. Review status: criteria provided, single submitter. Criteria: GeneDx Variant Classification Process June 2021. Collection method: clinical testing. Allele origin: germline. Affected: yes.
Comment: Not observed in large population cohorts (Lek et al., 2016); In silico analysis, which includes protein predictors and evolutionary conservation, supports a deleterious effect; Has not been previously published as pathogenic or benign to our knowledge; In addition, in silico splice predictors suggest this variant may lead to abnormal gene splicing

NM_000081.4(LYST):c.3710A>T (p.Asp1237Val)

Gene: LYST (lysosomal trafficking regulator; minus strand). Cytogenetic location: 1q42.3.
Variant type: single nucleotide variant.
Coding change: c.3710A>T on transcript NM_000081.4 (MANE Select); coding-DNA position 3710, A replaced by T.
Protein change: p.Asp1237Val; replaces aspartic acid 1237 with valine.
Molecular consequence: missense variant.
Genome position (GRCh38, 1-based): chr1:235,802,910, T>A on the plus strand (A>T on the coding strand, the complement: LYST is on the minus strand). VCF-style: chr1-235802910-T-A. GRCh37 (hg19) VCF-style: chr1-235966210-T-A.
Other names: c.3710A>T, p.Asp1237Val (NM_001301365.1); short protein forms D1237V.
Identifiers: ClinVar variation 451195 (VCV000451195.3), dbSNP rs1215274878, ClinGen allele CA344946296.